The following is an entry in ClinVar:

ClinVar aggregate classification (germline): Uncertain significance (1 of 4 stars; one submission).

Submission:

Labcorp Genetics (formerly Invitae), Labcorp
Classification: Uncertain significance. Last evaluated: 2023-03-09. Review status: criteria provided, single submitter. Criteria: Invitae Variant Classification Sherloc (09022015). Collection method: clinical testing. Allele origin: germline.
Comment: This sequence change falls in intron 4 of the CTNNA1 gene. It does not directly change the encoded amino acid sequence of the CTNNA1 protein. It affects a nucleotide within the consensus splice site. This variant is not present in population databases (gnomAD no frequency). This variant has not been reported in the literature in individuals affected with CTNNA1-related conditions. Variants that disrupt the consensus splice site are a relatively common cause of aberrant splicing (PMID: 17576681, 9536098). Algorithms developed to predict the effect of sequence changes on RNA splicing suggest that this variant is not likely to affect RNA splicing. In summary, the available evidence is currently insufficient to determine the role of this variant in disease. Therefore, it has been classified as a Variant of Uncertain Significance.

Literature cited by the submitters: PubMed 17576681; PubMed 9536098.

NM_001903.5(CTNNA1):c.468+4A>C

Gene: CTNNA1 (catenin alpha 1; plus strand). Cytogenetic location: 5q31.2.
Variant type: single nucleotide variant.
Coding change: c.468+4A>C on transcript NM_001903.5 (MANE Select); 4 bases into the intron after coding-DNA position 468, A replaced by C.
Molecular consequence: intron variant.
Genome position (GRCh38, 1-based): chr5:138,810,208, A>C. VCF-style: chr5-138810208-A-C. GRCh37 (hg19) VCF-style: chr5-138145897-A-C.
Other names: c.468+4A>C (NM_001323982.2, NM_001323984.2, NM_001290307.3 and 3 more transcripts); c.99+4A>C (NM_001290310.3); c.159+4A>C (NM_001290309.3).
Identifiers: ClinVar variation 2844395 (VCV002844395.3), dbSNP rs2532331487, ClinGen allele CA2739275095.